The following is an entry in ClinVar:

ClinVar aggregate classification (germline): Conflicting classifications of pathogenicity. Review status: criteria provided, conflicting classifications (1 of 4 stars). 4 submissions from 4 submitters: Uncertain significance (3); Likely benign (1). Last evaluated 2024-11-13.

Conditions:
Hereditary breast ovarian cancer syndrome. Also called: Breast and ovarian cancer; Hereditary breast and/or ovarian cancer syndrome; Hereditary breast and ovarian cancer; Hereditary breast and ovarian cancer syndrome (HBOC); BRCA1- and BRCA2-Associated Hereditary Breast and Ovarian Cancer; Hereditary breast and ovarian cancer syndrome. Identifiers: Orphanet 145, MedGen C0677776, MeSH D061325, MONDO:0003582. Disease mechanism: loss of function.
Hereditary cancer-predisposing syndrome. Also called: Hereditary Cancer Syndrome; Neoplastic Syndromes, Hereditary; Tumor predisposition; Hereditary neoplastic syndrome. Identifiers: Orphanet 140162, MedGen C0027672, MeSH D009386, MONDO:0015356.

Submissions (4):

Ambry Genetics
Classification: Uncertain significance for Hereditary cancer-predisposing syndrome. Last evaluated: 2024-11-13. Review status: criteria provided, single submitter. Criteria: Ambry Variant Classification Scheme 2023. Collection method: clinical testing. Allele origin: germline.
Comment: The p.T1011I variant (also known as c.3032C>T), located in coding exon 10 of the BRCA2 gene, results from a C to T substitution at nucleotide position 3032. The threonine at codon 1011 is replaced by isoleucine, an amino acid with similar properties. This amino acid position is highly conserved in available vertebrate species. In addition, this alteration is predicted to be deleterious by in silico analysis. Based on the available evidence, the clinical significance of this variant remains unclear.

Labcorp Genetics (formerly Invitae), Labcorp
Classification: Uncertain significance for Hereditary breast ovarian cancer syndrome. Last evaluated: 2023-07-10. Review status: criteria provided, single submitter. Criteria: Invitae Variant Classification Sherloc (09022015). Collection method: clinical testing. Allele origin: germline.
Comment: In summary, the available evidence is currently insufficient to determine the role of this variant in disease. Therefore, it has been classified as a Variant of Uncertain Significance. Advanced modeling of protein sequence and biophysical properties (such as structural, functional, and spatial information, amino acid conservation, physicochemical variation, residue mobility, and thermodynamic stability) performed at Invitae indicates that this missense variant is not expected to disrupt BRCA2 protein function. ClinVar contains an entry for this variant (Variation ID: 489753). This variant has not been reported in the literature in individuals affected with BRCA2-related conditions. This variant is not present in population databases (gnomAD no frequency). This sequence change replaces threonine, which is neutral and polar, with isoleucine, which is neutral and non-polar, at codon 1011 of the BRCA2 protein (p.Thr1011Ile).

University of Washington Department of Laboratory Medicine, University of Washington
Classification: Likely benign for Hereditary cancer-predisposing syndrome. Last evaluated: 2023-03-23. Review status: criteria provided, single submitter. Criteria: Dines et al. (Genet Med. 2020). Collection method: curation. Allele origin: germline.
Comment: Missense variant in a coldspot region where missense variants are very unlikely to be pathogenic (PMID:31911673).

BRCA2 exon 11 coldspot. Reclassification based on statistical prior probability.

Color Diagnostics, LLC DBA Color Health
Classification: Uncertain significance for Hereditary cancer-predisposing syndrome. Last evaluated: 2019-03-27. Review status: criteria provided, single submitter. Criteria: ACMG Guidelines, 2015. Collection method: clinical testing. Allele origin: germline.

NM_000059.4(BRCA2):c.3032C>T (p.Thr1011Ile)

Gene: BRCA2 (BRCA2 DNA repair associated; plus strand). Cytogenetic location: 13q13.1.
Variant type: single nucleotide variant.
Coding change: c.3032C>T on transcript NM_000059.4 (MANE Select); coding-DNA position 3032, C replaced by T.
Protein change: p.Thr1011Ile; replaces threonine 1011 with isoleucine.
Molecular consequence: missense variant.
Genome position (GRCh38, 1-based): chr13:32,337,387, C>T. VCF-style: chr13-32337387-C-T. GRCh37 (hg19) VCF-style: chr13-32911524-C-T.
Other names: short protein forms T1011I.
Identifiers: ClinVar variation 489753 (VCV000489753.16), dbSNP rs80358548, ClinGen allele CA387774928.